The following is an entry in ClinVar:

ClinVar aggregate classification (germline): Uncertain significance (1 of 4 stars; one submission).

Conditions:
Familial thoracic aortic aneurysm and aortic dissection (TAAD). Also called: Thoracic aortic aneurysms and dissections. Identifiers: Orphanet 91387, MedGen C4707243, MONDO:0019625.

Submission:

Ambry Genetics
Classification: Uncertain significance for Familial thoracic aortic aneurysm and aortic dissection. Last evaluated: 2024-10-08. Review status: criteria provided, single submitter. Criteria: Ambry Variant Classification Scheme 2023. Collection method: clinical testing. Allele origin: germline.
Comment: The p.R1479G variant (also known as c.4435A>G), located in coding exon 31 of the MYH11 gene, results from an A to G substitution at nucleotide position 4435. The arginine at codon 1479 is replaced by glycine, an amino acid with dissimilar properties. This amino acid position is conserved. In addition, this alteration is predicted to be deleterious by in silico analysis. Based on the available evidence, the clinical significance of this variant remains unclear.

NM_002474.3(MYH11):c.4435A>G (p.Arg1479Gly)

Genes: NDE1 (nudE neurodevelopment protein 1; plus strand), MYH11 (myosin heavy chain 11; minus strand). Cytogenetic location: 16p13.11.
Variant type: single nucleotide variant.
Coding change: c.4435A>G on transcript NM_002474.3 (MANE Select); coding-DNA position 4435, A replaced by G.
Protein change: p.Arg1479Gly; replaces arginine 1479 with glycine.
Molecular consequence: missense variant. On other transcripts: intron variant (2).
Genome position (GRCh38, 1-based): chr16:15,721,565, T>C on the plus strand (A>G on the coding strand, the complement: MYH11 is on the minus strand). VCF-style: chr16-15721565-T-C. GRCh37 (hg19) VCF-style: chr16-15815422-T-C.
Other names: c.4456A>G, p.Arg1486Gly (NM_001040113.2, NM_001040114.2); c.4435A>G, p.Arg1479Gly (NM_022844.3); c.948-2626T>C (NM_001143979.2, NM_017668.3); short protein forms R1486G, R1479G.
Identifiers: ClinVar variation 3400641 (VCV003400641.1).